The following is an entry in ClinVar:

NM_198252.3(GSN):c.-9-2023G>A

Gene: GSN (gelsolin; plus strand). Cytogenetic location: 9q33.2.
Variant type: single nucleotide variant.
Coding change: c.-9-2023G>A on transcript NM_198252.3 (MANE Select); 2023 bases into the intron before 9 bases upstream of the start codon, G replaced by A.
Molecular consequence: intron variant. On other transcripts: missense variant (1).
Genome position (GRCh38, 1-based): chr9:121,299,940, G>A. VCF-style: chr9-121299940-G-A. GRCh37 (hg19) VCF-style: chr9-124062218-G-A.
Other names: c.79G>A, p.Ala27Thr (NM_000177.5); c.-9-2023G>A (NM_001353054.1, NM_001353053.1, NM_001353060.2 and 5 more transcripts); c.-47-116G>A (NM_001353064.2, NM_001353066.2, NM_001353072.2 and 8 more transcripts); c.-1-2031G>A (NM_001353058.2, NM_001353059.2, NM_001353056.2 and 1 more transcripts); c.-38-125G>A (NM_001353073.2, NM_001353065.2, NM_001353068.2 and 2 more transcripts); c.100-2023G>A (NM_001127663.2); c.-32-131G>A (NM_001353070.2); c.-48-1984G>A (NM_001353055.2); and 3 more; short protein forms A27T.
Identifiers: ClinVar variation 4713822 (VCV004713822.1).
Genomic context (GRCh38, chr9:121,299,940, plus strand): 5'-GCGCCCGCGCTGCTTTGCGCGCTGTCCCTGGCGCTGTGCGCGCTGTCGCTGCCCGTCCGC[G>A]CGGCCACTGCGTCGCGGGGGGCGTCCCAGGCGGGGGCGCCCCAGGGGCGGGTGCCCGAGG-3'

ClinVar aggregate classification (germline): Uncertain significance (1 of 4 stars; one submission).

gnomAD v4.1: 1 of 1,260,960 alleles (0.000079%); highest among the groups gnomAD compares: Non-Finnish European, 0.0001%; no homozygotes.

Submission:

Labcorp Genetics (formerly Invitae), Labcorp
Classification: Uncertain significance. Last evaluated: 2025-04-14. Review status: criteria provided, single submitter. Criteria: Invitae Variant Classification Sherloc (09022015). Collection method: clinical testing. Allele origin: germline.
Comment: This sequence change replaces alanine, which is neutral and non-polar, with threonine, which is neutral and polar, at codon 27 of the GSN protein (p.Ala27Thr). This variant is not present in population databases (gnomAD no frequency). This variant has not been reported in the literature in individuals affected with GSN-related conditions. An algorithm developed to predict the effect of missense changes on protein structure and function outputs the following: PolyPhen-2: "Benign". The threonine amino acid residue is found in multiple mammalian species, which suggests that this missense change does not adversely affect protein function. In summary, the available evidence is currently insufficient to determine the role of this variant in disease. Therefore, it has been classified as a Variant of Uncertain Significance.